The following is an entry in ClinVar:

ClinVar aggregate classification (germline): Likely benign. Review status: criteria provided, single submitter (1 of 4 stars). 2 submissions from 2 submitters: Likely benign (1). 1 of the submissions does not count toward it. Last evaluated 2022-10-05.

Conditions:
Severe early-onset pulmonary alveolar proteinosis due to MARS deficiency. Also called: PULMONARY ALVEOLAR PROTEINOSIS, REUNION ISLAND; Interstitial lung and liver disease. Identifiers: Orphanet 440427, MedGen C4225400, MONDO:0014206, OMIM 615486.
Charcot-Marie-Tooth disease axonal type 2U. Also called: CHARCOT-MARIE-TOOTH DISEASE, AXONAL, AUTOSOMAL DOMINANT, TYPE 2U; CHARCOT-MARIE-TOOTH NEUROPATHY, TYPE 2U. Identifiers: Orphanet 397735, MedGen C4084821, MONDO:0014566, OMIM 616280.
MARS1-related disorder. Also called: MARS1-related condition.

Allele frequency attached by ClinVar (database versions not stated): gnomAD exomes 0.00002; TOPMed 0.00003; gnomAD 0.00004.
gnomAD v4.1: 18 of 1,613,442 alleles (0.0011%); highest among the groups gnomAD compares: Admixed American, 0.013%; no homozygotes.

Submissions (2):

Labcorp Genetics (formerly Invitae), Labcorp
Classification: Likely benign for Charcot-Marie-Tooth disease axonal type 2U; Severe early-onset pulmonary alveolar proteinosis due to MARS deficiency. Last evaluated: 2022-10-05. Review status: criteria provided, single submitter. Criteria: Invitae Variant Classification Sherloc (09022015). Collection method: clinical testing. Allele origin: germline.

PreventionGenetics, part of Exact Sciences
Classification: Likely benign for MARS1-related condition. Last evaluated: 2019-08-07. Review status: no assertion criteria provided. Collection method: clinical testing. Allele origin: germline. Not counted in ClinVar's aggregate classification.
Comment: This variant is classified as likely benign based on ACMG/AMP sequence variant interpretation guidelines (Richards et al. 2015 PMID: 25741868, with internal and published modifications).

NM_004990.4(MARS1):c.2099+9C>T

Gene: MARS1 (methionyl-tRNA synthetase 1; plus strand). Cytogenetic location: 12q13.3.
Variant type: single nucleotide variant.
Coding change: c.2099+9C>T on transcript NM_004990.4 (MANE Select); 9 bases into the intron after coding-DNA position 2099, C replaced by T.
Molecular consequence: intron variant.
Genome position (GRCh38, 1-based): chr12:57,514,860, C>T. VCF-style: chr12-57514860-C-T. GRCh37 (hg19) VCF-style: chr12-57908643-C-T.
Other names: c.2099+9C>T (NM_004990.3).
Identifiers: ClinVar variation 2196261 (VCV002196261.6), dbSNP rs936487706, ClinGen allele CA237772126.